The following is an entry in ClinVar:

NM_000203.5(IDUA):c.614G>C (p.Cys205Ser)

Gene: IDUA (alpha-L-iduronidase; plus strand). Cytogenetic location: 4p16.3.
Variant type: single nucleotide variant.
Coding change: c.614G>C on transcript NM_000203.5 (MANE Select); coding-DNA position 614, G replaced by C.
Protein change: p.Cys205Ser; replaces cysteine 205 with serine.
Molecular consequence: missense variant. On other transcripts: non-coding transcript variant (1).
Genome position (GRCh38, 1-based): chr4:1,001,703, G>C. VCF-style: chr4-1001703-G-C. GRCh37 (hg19) VCF-style: chr4-995491-G-C.
Other names: c.218G>C, p.Cys73Ser (NM_001363576.1); short protein forms C205S, C73S.
Identifiers: ClinVar variation 4847079 (VCV004847079.1).
Genomic context (GRCh38, chr4:1,001,703, plus strand): 5'-CAGGGCAGGTGTAGACGCAGTGCTCCCCCGGCCCAGGCTTCCTGAACTACTACGATGCCT[G>C]CTCGGAGGGTCTGCGCGCCGCCAGCCCCGCCCTGCGGCTGGGAGGCCCCGGCGACTCCTT-3'
Protein context (NP_000194.2, residues 195-215): MQGFLNYYDA[Cys205Ser]SEGLRAASPA

ClinVar aggregate classification (germline): Uncertain significance (1 of 4 stars; one submission).

Submission:

Women's Health and Genetics/Laboratory Corporation of America, LabCorp
Classification: Uncertain significance. Last evaluated: 2026-03-19. Review status: criteria provided, single submitter. Criteria: LabCorp Variant Classification Summary - May 2015. Collection method: clinical testing. Allele origin: germline.
Comment: Variant summary: IDUA c.614G>C (p.Cys205Ser) results in a non-conservative amino acid change in the encoded protein sequence. Algorithms developed to predict the effect of missense changes on protein structure and function all suggest that this variant is likely to be disruptive. The variant was absent in 229796 control chromosomes (gnomAD). The available data on variant occurrences in the general population are insufficient to allow any conclusion about variant significance. To our knowledge, no occurrence of c.614G>C in individuals affected with IDUA-related conditions and no experimental evidence demonstrating its impact on protein function have been reported. A different variant affecting the same codon has been classified as likely pathogenic by our lab (c.614G>A, p.Cys205Tyr), supporting the critical relevance of codon 205 to IDUA protein function. No submitters have cited clinical-significance assessments for this variant to ClinVar. Based on the evidence outlined above, the variant was classified as uncertain significance.